The following is an entry in ClinVar:

NM_000352.6(ABCC8):c.1277A>G (p.Asn426Ser)

Gene: ABCC8 (ATP binding cassette subfamily C member 8; minus strand). Cytogenetic location: 11p15.1.
Variant type: single nucleotide variant.
Coding change: c.1277A>G on transcript NM_000352.6 (MANE Select); coding-DNA position 1277, A replaced by G.
Protein change: p.Asn426Ser; replaces asparagine 426 with serine.
Molecular consequence: missense variant. On other transcripts: non-coding transcript variant (1).
Genome position (GRCh38, 1-based): chr11:17,448,571, T>C on the plus strand (A>G on the coding strand, the complement: ABCC8 is on the minus strand). VCF-style: chr11-17448571-T-C. GRCh37 (hg19) VCF-style: chr11-17470118-T-C.
Other names: c.1277A>G, p.Asn426Ser (NM_001287174.3, NM_001351295.2); c.1274A>G, p.Asn425Ser (NM_001351296.2, NM_001351297.2); short protein forms N426S, N425S.
Identifiers: ClinVar variation 2161075 (VCV002161075.1), dbSNP rs754026684, ClinGen allele CA5903629.

ClinVar aggregate classification (germline): Uncertain significance (1 of 4 stars; one submission).

Allele frequency attached by ClinVar (database versions not stated): TOPMed below 0.00001; ExAC 0.00001; gnomAD exomes 0.00001.
gnomAD v4.1: 16 of 1,614,206 alleles (0.00099%); highest among the groups gnomAD compares: Admixed American, 0.0017%; no homozygotes.

Submission:

Labcorp Genetics (formerly Invitae), Labcorp
Classification: Uncertain significance. Last evaluated: 2022-03-06. Review status: criteria provided, single submitter. Criteria: Invitae Variant Classification Sherloc (09022015). Collection method: clinical testing. Allele origin: germline.
Comment: This sequence change replaces asparagine, which is neutral and polar, with serine, which is neutral and polar, at codon 426 of the ABCC8 protein (p.Asn426Ser). This variant is present in population databases (rs754026684, gnomAD 0.0009%). This missense change has been observed in individual(s) with ABCC8-related conditions (PMID: 25555642). Advanced modeling of protein sequence and biophysical properties (such as structural, functional, and spatial information, amino acid conservation, physicochemical variation, residue mobility, and thermodynamic stability) performed at Invitae indicates that this missense variant is not expected to disrupt ABCC8 protein function. Algorithms developed to predict the effect of sequence changes on RNA splicing suggest that this variant may create or strengthen a splice site. In summary, the available evidence is currently insufficient to determine the role of this variant in disease. Therefore, it has been classified as a Variant of Uncertain Significance.

Literature cited by the submitters: PubMed 25555642.